The following is an entry in ClinVar:

ClinVar aggregate classification (germline): Uncertain significance (1 of 4 stars; one submission).

Submission:

Labcorp Genetics (formerly Invitae), Labcorp
Classification: Uncertain significance. Last evaluated: 2024-06-22. Review status: criteria provided, single submitter. Criteria: Invitae Variant Classification Sherloc (09022015). Collection method: clinical testing. Allele origin: germline.
Comment: This sequence change replaces glycine, which is neutral and non-polar, with cysteine, which is neutral and slightly polar, at codon 159 of the WNT1 protein (p.Gly159Cys). This variant is not present in population databases (gnomAD no frequency). This variant has not been reported in the literature in individuals affected with WNT1-related conditions. Advanced modeling of protein sequence and biophysical properties (such as structural, functional, and spatial information, amino acid conservation, physicochemical variation, residue mobility, and thermodynamic stability) performed at Invitae indicates that this missense variant is expected to disrupt WNT1 protein function with a positive predictive value of 80%. In summary, the available evidence is currently insufficient to determine the role of this variant in disease. Therefore, it has been classified as a Variant of Uncertain Significance.

NM_005430.4(WNT1):c.475G>T (p.Gly159Cys)

Gene: WNT1 (Wnt family member 1; plus strand). Cytogenetic location: 12q13.12.
Variant type: single nucleotide variant.
Coding change: c.475G>T on transcript NM_005430.4 (MANE Select); coding-DNA position 475, G replaced by T.
Protein change: p.Gly159Cys; replaces glycine 159 with cysteine.
Molecular consequence: missense variant.
Genome position (GRCh38, 1-based): chr12:48,980,540, G>T. VCF-style: chr12-48980540-G-T. GRCh37 (hg19) VCF-style: chr12-49374323-G-T.
Other names: short protein forms G159C.
Identifiers: ClinVar variation 3657430 (VCV003657430.2).